The following is an entry in ClinVar:

ClinVar aggregate classification (germline): Uncertain significance. Review status: criteria provided, multiple submitters, no conflicts (2 of 4 stars). 2 submissions from 2 submitters: Uncertain significance (2). Last evaluated 2026-01-27.

Conditions:
Familial cancer of breast. Also called: Hereditary breast cancer; hereditary breast carcinoma; BREAST CANCER, FAMILIAL. Identifiers: Orphanet 227535, MedGen C0346153, MONDO:0016419, OMIM 114480. Disease mechanism: loss of function.
Hereditary cancer-predisposing syndrome. Also called: Neoplastic Syndromes, Hereditary; Hereditary Cancer Syndrome; Hereditary neoplastic syndrome; Tumor predisposition. Identifiers: Orphanet 140162, MedGen C0027672, MeSH D009386, MONDO:0015356.

Submissions (2):

Labcorp Genetics (formerly Invitae), Labcorp
Classification: Uncertain significance for Familial cancer of breast. Last evaluated: 2026-01-27. Review status: criteria provided, single submitter. Criteria: Invitae Variant Classification Sherloc (09022015). Collection method: clinical testing. Allele origin: germline.
Comment: This sequence change replaces threonine, which is neutral and polar, with isoleucine, which is neutral and non-polar, at codon 401 of the CHEK2 protein (p.Thr401Ile). This variant is not present in population databases (gnomAD no frequency). This variant has not been reported in the literature in individuals affected with CHEK2-related conditions. ClinVar contains an entry for this variant (Variation ID: 2566542). An algorithm developed to predict the effect of missense changes on protein structure and function (PolyPhen-2) suggests that this variant is likely to be tolerated. In summary, the available evidence is currently insufficient to determine the role of this variant in disease. Therefore, it has been classified as a Variant of Uncertain Significance.

Ambry Genetics
Classification: Uncertain significance for Hereditary cancer-predisposing syndrome. Last evaluated: 2025-07-12. Review status: criteria provided, single submitter. Criteria: Ambry Variant Classification Scheme 2023. Collection method: clinical testing. Allele origin: germline.
Comment: The p.T401I variant (also known as c.1202C>T), located in coding exon 10 of the CHEK2 gene, results from a C to T substitution at nucleotide position 1202. The threonine at codon 401 is replaced by isoleucine, an amino acid with similar properties. This amino acid position is conserved. In addition, the in silico prediction for this alteration is inconclusive. Since supporting evidence is limited at this time, the clinical significance of this alteration remains unclear.

NM_007194.4(CHEK2):c.1202C>T (p.Thr401Ile)

Gene: CHEK2 (checkpoint kinase 2; minus strand). Cytogenetic location: 22q12.1.
Variant type: single nucleotide variant.
Coding change: c.1202C>T on transcript NM_007194.4 (MANE Select); coding-DNA position 1202, C replaced by T.
Protein change: p.Thr401Ile; replaces threonine 401 with isoleucine.
Molecular consequence: missense variant.
Genome position (GRCh38, 1-based): chr22:28,695,767, G>A on the plus strand (C>T on the coding strand, the complement: CHEK2 is on the minus strand). VCF-style: chr22-28695767-G-A. GRCh37 (hg19) VCF-style: chr22-29091755-G-A.
Other names: c.1331C>T, p.Thr444Ile (NM_001005735.3); c.539C>T, p.Thr180Ile (NM_001257387.3); c.1001C>T, p.Thr334Ile (NM_001349956.3); c.1115C>T, p.Thr372Ile (NM_145862.3); short protein forms T444I, T372I, T180I, T334I, T401I.
Identifiers: ClinVar variation 2566542 (VCV002566542.4), dbSNP rs1601722432, ClinGen allele CA411096762.